The following is an entry in ClinVar:

NM_004329.3(BMPR1A):c.737G>A (p.Gly246Glu)

Gene: BMPR1A (bone morphogenetic protein receptor type 1A; plus strand). Cytogenetic location: 10q23.2.
Variant type: single nucleotide variant.
Coding change: c.737G>A on transcript NM_004329.3 (MANE Select); coding-DNA position 737, G replaced by A.
Protein change: p.Gly246Glu; replaces glycine 246 with glutamic acid.
Molecular consequence: missense variant. On other transcripts: non-coding transcript variant (3).
Genome position (GRCh38, 1-based): chr10:86,917,195, G>A. VCF-style: chr10-86917195-G-A. GRCh37 (hg19) VCF-style: chr10-88676952-G-A.
Other names: c.737G>A, p.Gly246Glu (NM_001406575.1, NM_001406576.1, NM_001406577.1 and 19 more transcripts); c.731G>A, p.Gly244Glu (NM_001406583.1); c.653G>A, p.Gly218Glu (NM_001406584.1, NM_001406585.1, NM_001406586.1 and 2 more transcripts); c.812G>A, p.Gly271Glu (NM_001406559.1); c.785G>A, p.Gly262Glu (NM_001406560.1); c.395G>A, p.Gly132Glu (NM_001406589.1); short protein forms G132E, G218E, G244E, G246E, G262E, G271E.
Identifiers: ClinVar variation 5032983 (VCV005032983.1).
Genomic context (GRCh38, chr10:86,917,195, plus strand): 5'-TTCAGCGAACTATTGCCAAACAGATTCAGATGGTCCGGCAAGTTGGTAAAGGCCGATATG[G>A]AGAAGTATGGATGGGCAAATGGCGTGGCGAAAAAGTGGCGGTGAAAGTATTCTTTACCAC-3'
Protein context (NP_004320.2, residues 236-256): MVRQVGKGRY[Gly246Glu]EVWMGKWRGE

ClinVar aggregate classification (germline): Uncertain significance (1 of 4 stars; one submission).

Conditions:
Hereditary cancer-predisposing syndrome. Also called: Neoplastic Syndromes, Hereditary; Tumor predisposition; Hereditary neoplastic syndrome; Hereditary Cancer Syndrome. Identifiers: Orphanet 140162, MedGen C0027672, MeSH D009386, MONDO:0015356.

Submission:

Ambry Genetics
Classification: Uncertain significance for Hereditary cancer-predisposing syndrome. Last evaluated: 2026-07-06. Review status: criteria provided, single submitter. Criteria: Ambry Variant Classification Scheme 2023. Collection method: clinical testing. Allele origin: germline.
Comment: The p.G246E variant (also known as c.737G>A), located in coding exon 7 of the BMPR1A gene, results from a G to A substitution at nucleotide position 737. The glycine at codon 246 is replaced by glutamic acid, an amino acid with similar properties. This amino acid position is conserved. In addition, this alteration is predicted to be deleterious by in silico analysis. Based on the available evidence, the clinical significance of this variant remains unclear.